The following is an entry in ClinVar:

ClinVar aggregate classification (germline): Uncertain significance. Review status: criteria provided, multiple submitters, no conflicts (2 of 4 stars). 3 submissions from 2 submitters: Uncertain significance (3). Last evaluated 2024-10-22.

Conditions:
Papillon-Lefèvre syndrome (PALS). Also called: KERATOSIS PALMOPLANTARIS WITH PERIODONTOPATHIA; Papillon-Lefevre Disease. Identifiers: Orphanet 678, MedGen C0030360, MONDO:0009490, OMIM 245000.
Periodontitis, aggressive. Identifiers: MedGen C0031106, MONDO:0980757.
Haim-Munk syndrome (HMS). Also called: COCHIN JEWISH DISORDER; KERATOSIS PALMOPLANTARIS WITH PERIODONTOPATHIA AND ONYCHOGRYPOSIS. Identifiers: Orphanet 2342, MedGen C1855627, MONDO:0009491, OMIM 245010.

Allele frequency attached by ClinVar (database versions not stated): gnomAD exomes 0.00009 and 0.00013; gnomAD 0.00010 and 0.00009; TOPMed 0.00007; ExAC 0.00043.
gnomAD v4.1: 198 of 1,583,540 alleles (0.013%); highest among the groups gnomAD compares: Non-Finnish European, 0.016%; no homozygotes.

Submissions (3):

Labcorp Genetics (formerly Invitae), Labcorp
Classification: Uncertain significance for Haim-Munk syndrome; Periodontitis, aggressive; Papillon-Lefèvre syndrome. Last evaluated: 2024-10-22. Review status: criteria provided, single submitter. Criteria: Invitae Variant Classification Sherloc (09022015). Collection method: clinical testing. Allele origin: germline.
Comment: This sequence change replaces alanine, which is neutral and non-polar, with valine, which is neutral and non-polar, at codon 10 of the CTSC protein (p.Ala10Val). The frequency data for this variant in the population databases is considered unreliable, as metrics indicate poor data quality at this position in the gnomAD database. This variant has not been reported in the literature in individuals affected with CTSC-related conditions. ClinVar contains an entry for this variant (Variation ID: 306432). An algorithm developed to predict the effect of missense changes on protein structure and function outputs the following: PolyPhen-2: "Possibly Damaging". The valine amino acid residue is found in multiple mammalian species, which suggests that this missense change does not adversely affect protein function. In summary, the available evidence is currently insufficient to determine the role of this variant in disease. Therefore, it has been classified as a Variant of Uncertain Significance.

Illumina Laboratory Services, Illumina
Classification: Uncertain significance for Papillon-Lefèvre syndrome. Last evaluated: 2018-01-13. Review status: criteria provided, single submitter. Criteria: ICSL Variant Classification Criteria 13 December 2019. Collection method: clinical testing. Allele origin: germline.

Illumina Laboratory Services, Illumina
Classification: Uncertain significance for Haim-Munk syndrome. Last evaluated: 2018-01-13. Review status: criteria provided, single submitter. Criteria: ICSL Variant Classification Criteria 13 December 2019. Collection method: clinical testing. Allele origin: germline.

NM_001814.6(CTSC):c.29C>T (p.Ala10Val)

Genes: CTSC (cathepsin C; minus strand), LOC130006572 (ATAC-STARR-seq lymphoblastoid active region 5382; plus strand). Cytogenetic location: 11q14.2.
Variant type: single nucleotide variant.
Coding change: c.29C>T on transcript NM_001814.6 (MANE Select); coding-DNA position 29, C replaced by T.
Protein change: p.Ala10Val; replaces alanine 10 with valine.
Molecular consequence: missense variant.
Genome position (GRCh38, 1-based): chr11:88,337,644, G>A on the plus strand (C>T on the coding strand, the complement: CTSC is on the minus strand). VCF-style: chr11-88337644-G-A. GRCh37 (hg19) VCF-style: chr11-88070812-G-A.
Other names: c.29C>T (LRG_50t1); c.29C>T, p.Ala10Val (NM_001114173.3, NM_148170.5); short protein forms A10V.
Identifiers: ClinVar variation 306432 (VCV000306432.11), dbSNP rs765499436, ClinGen allele CA6220154.